The following is an entry in ClinVar:

ClinVar aggregate classification (germline): Likely benign. Review status: criteria provided, single submitter (1 of 4 stars). 2 submissions from 2 submitters: Likely benign (1). 1 of the submissions does not count toward it. Last evaluated 2026-01-23.

Conditions:
Dyskeratosis congenita, autosomal recessive 6 (DKCB6). Identifiers: MedGen C4225356, MONDO:0014600, OMIM 616353.
Pulmonary fibrosis and/or bone marrow failure, Telomere-related, 4. Also called: PULMONARY FIBROSIS AND/OR BONE MARROW FAILURE SYNDROME, TELOMERE-RELATED, 4. Identifiers: Orphanet 2032, MedGen C4225347, MONDO:0014612, OMIM 616371.
PARN-related disorder. Also called: PARN-related condition; PARN-related disorders.

Submissions (2):

Labcorp Genetics (formerly Invitae), Labcorp
Classification: Likely benign for Dyskeratosis congenita, autosomal recessive 6; Pulmonary fibrosis and/or bone marrow failure, Telomere-related, 4. Last evaluated: 2026-01-23. Review status: criteria provided, single submitter. Criteria: Invitae Variant Classification Sherloc (09022015). Collection method: clinical testing. Allele origin: germline.

PreventionGenetics, part of Exact Sciences
Classification: Likely benign for PARN-related condition. Last evaluated: 2019-03-11. Review status: no assertion criteria provided. Collection method: clinical testing. Allele origin: germline. Not counted in ClinVar's aggregate classification.
Comment: This variant is classified as likely benign based on ACMG/AMP sequence variant interpretation guidelines (Richards et al. 2015 PMID: 25741868, with internal and published modifications).

NM_002582.4(PARN):c.963-19_963-3del

Gene: PARN (poly(A)-specific ribonuclease; minus strand). Cytogenetic location: 16p13.12.
Variant type: Deletion.
Coding change: c.963-19_963-3del on transcript NM_002582.4 (MANE Select); 19 bases into the intron before coding-DNA position 963 through 3 bases into the intron before coding-DNA position 963, 17 bases deleted (TGTTAAAAATTCTTTTT).
Molecular consequence: intron variant.
Genome position (GRCh38, 1-based): chr16:14,584,794-14,584,810, AAAAAGAATTTTTAACA deleted on the plus strand (TGTTAAAAATTCTTTTT on the coding strand, the reverse complement: PARN is on the minus strand); deleting any 17 consecutive bases within chr16:14,584,794-14,584,811 gives the same sequence; the c. name uses the placement nearest the transcript's 3' end. VCF-style (leftmost placement, unchanged base first): chr16-14584793-TAAAAAGAATTTTTAACA-T. GRCh37 (hg19) VCF-style: chr16-14678650-TAAAAAGAATTTTTAACA-T.
Other names: c.780-19_780-3del (NM_001134477.3); c.825-19_825-3del (NM_001242992.2); c.963-19_963-3del17 (NM_002582.3).
Identifiers: ClinVar variation 1108255 (VCV001108255.11), dbSNP rs752630850, ClinGen allele CA7912217.